The following is an entry in ClinVar:

NM_032861.4(SERAC1):c.566T>C (p.Leu189Pro)

Gene: SERAC1 (serine active site containing 1; minus strand). Cytogenetic location: 6q25.3.
Variant type: single nucleotide variant.
Coding change: c.566T>C on transcript NM_032861.4 (MANE Select); coding-DNA position 566, T replaced by C.
Protein change: p.Leu189Pro; replaces leucine 189 with proline.
Molecular consequence: missense variant. On other transcripts: non-coding transcript variant (1).
Genome position (GRCh38, 1-based): chr6:158,144,342, A>G on the plus strand (T>C on the coding strand, the complement: SERAC1 is on the minus strand). VCF-style: chr6-158144342-A-G. GRCh37 (hg19) VCF-style: chr6-158565374-A-G.
Other names: short protein forms L189P.
Identifiers: ClinVar variation 2185270 (VCV002185270.1), dbSNP rs576602246, ClinGen allele CA4071325.
Genomic context (GRCh38, chr6:158,144,342, plus strand): 5'-ATTATTGTTTTACTTACTTCTTTTAAAGATGGCAAAGGAGGTGGTAGGAGAAAAAAGCGA[A>G]GATCACTCTCTTCGCTTCGTGCCAAACCAATAAGAGTTTTCGGATCACAGGCTTGAGCAA-3'
Protein context (NP_116250.3, residues 179-199): IGLARSEESD[Leu189Pro]RFFLLPPPLP

ClinVar aggregate classification (germline): Uncertain significance (1 of 4 stars; one submission).

Conditions:
3-methylglutaconic aciduria with deafness, encephalopathy, and Leigh-like syndrome (MEGDEL). Also called: 3-METHYLGLUTACONIC ACIDURIA, TYPE VI; SERAC1 Deficiency; MEGDEL syndrome. Identifiers: Orphanet 352328, MedGen C4040739, MONDO:0013875, OMIM 614739.

Allele frequency attached by ClinVar (database versions not stated): TOPMed 0.00002.
gnomAD v4.1: 1 of 1,613,498 alleles (0.000062%); highest among the groups gnomAD compares: Admixed American, 0.0017%; no homozygotes.

Submission:

Labcorp Genetics (formerly Invitae), Labcorp
Classification: Uncertain significance for 3-methylglutaconic aciduria with deafness, encephalopathy, and Leigh-like syndrome. Last evaluated: 2022-06-08. Review status: criteria provided, single submitter. Criteria: Invitae Variant Classification Sherloc (09022015). Collection method: clinical testing. Allele origin: germline.
Comment: This sequence change replaces leucine, which is neutral and non-polar, with proline, which is neutral and non-polar, at codon 189 of the SERAC1 protein (p.Leu189Pro). This variant is present in population databases (rs576602246, gnomAD 0.003%). This variant has not been reported in the literature in individuals affected with SERAC1-related conditions. Algorithms developed to predict the effect of missense changes on protein structure and function output the following: SIFT: "Deleterious"; PolyPhen-2: "Benign"; Align-GVGD: "Class C65". The proline amino acid residue is found in multiple mammalian species, which suggests that this missense change does not adversely affect protein function. In summary, the available evidence is currently insufficient to determine the role of this variant in disease. Therefore, it has been classified as a Variant of Uncertain Significance.